The following is an entry in ClinVar:

NM_000310.4(PPT1):c.433+7_433+8del

Gene: PPT1 (palmitoyl-protein thioesterase 1; minus strand). Cytogenetic location: 1p34.2.
Variant type: Deletion.
Coding change: c.433+7_433+8del on transcript NM_000310.4 (MANE Select); bases 7 to 8 of the intron after coding-DNA position 433, 2 bases deleted (TT; older notation c.433+7_433+8delTT).
Molecular consequence: intron variant.
Genome position (GRCh38, 1-based): chr1:40,091,321-40,091,322, AA deleted on the plus strand (TT on the coding strand, the reverse complement: PPT1 is on the minus strand); deleting any 2 consecutive bases within chr1:40,091,321-40,091,323 gives the same sequence; the c. name uses the placement nearest the transcript's 3' end. VCF-style (leftmost placement, unchanged base first): chr1-40091320-CAA-C. GRCh37 (hg19) VCF-style: chr1-40556992-CAA-C.
Other names: c.125-1810_125-1809del (NM_001142604.2); c.433+7_433+8del (NM_001363695.2); c.433+7_433+8delTT (NM_000310.3).
Identifiers: ClinVar variation 507345 (VCV000507345.10), dbSNP rs750997143, ClinGen allele CA789715.
Genomic context (GRCh38, chr1:40,091,320, plus strand): 5'-ATTTTTTTTTAAATCAGGTGGTCATGTGGGTTAGAATACAGAAAAAAGAAAGCAAAGAGG[CAA>C]AGTTACCTTGATGTTGTCCCCCAACCGAGATCAGATTGATCATGGGAGGTGAAGGGCATC-3'

ClinVar aggregate classification (germline): Likely benign. Review status: criteria provided, multiple submitters, no conflicts (2 of 4 stars). 3 submissions from 3 submitters: Likely benign (3). Last evaluated 2025-04-20.

Conditions:
Neuronal ceroid lipofuscinosis 1 (CLN1). Also called: CEROID LIPOFUSCINOSIS, NEURONAL, 1, VARIABLE AGE AT ONSET; PPT1-Related Neuronal Ceroid-Lipofuscinosis. Identifiers: Orphanet 228329, MedGen C1850451, MONDO:0009744, OMIM 256730.

Submissions (3):

Labcorp Genetics (formerly Invitae), Labcorp
Classification: Likely benign for Neuronal ceroid lipofuscinosis 1. Last evaluated: 2025-04-20. Review status: criteria provided, single submitter. Criteria: Invitae Variant Classification Sherloc (09022015). Collection method: clinical testing. Allele origin: germline.

Blueprint Genetics
Classification: Likely benign. Last evaluated: 2020-03-06. Review status: criteria provided, single submitter. Criteria: ACMG Guidelines, 2015. Collection method: clinical testing. Allele origin: germline.

GeneDx
Classification: Likely benign. Last evaluated: 2017-09-27. Review status: criteria provided, single submitter. Criteria: GeneDx Variant Classification (06012015). Collection method: clinical testing. Allele origin: germline. Affected: yes.
Comment: This variant is considered likely benign or benign based on one or more of the following criteria: it is a conservative change, it occurs at a poorly conserved position in the protein, it is predicted to be benign by multiple in silico algorithms, and/or has population frequency not consistent with disease.